The following is an entry in ClinVar:

NM_001256864.2(DNAJC6):c.542G>A (p.Arg181Gln)

Gene: DNAJC6 (DnaJ heat shock protein family (Hsp40) member C6; plus strand). Cytogenetic location: 1p31.3.
Variant type: single nucleotide variant.
Coding change: c.542G>A on transcript NM_001256864.2 (MANE Select); coding-DNA position 542, G replaced by A.
Protein change: p.Arg181Gln; replaces arginine 181 with glutamine.
Molecular consequence: missense variant.
Genome position (GRCh38, 1-based): chr1:65,366,195, G>A. VCF-style: chr1-65366195-G-A. GRCh37 (hg19) VCF-style: chr1-65831878-G-A.
Other names: c.332G>A, p.Arg111Gln (NM_001256865.2); c.371G>A, p.Arg124Gln (NM_014787.4); short protein forms R181Q, R111Q, R124Q.
Identifiers: ClinVar variation 2048442 (VCV002048442.4), dbSNP rs539254238, ClinGen allele CA893676.
Genomic context (GRCh38, chr1:65,366,195, plus strand): 5'-ACCACTACACAGTATACAATCTGTCACCTAAGTCTTATCGAACTGCCAAGTTTCACAGCC[G>A]GGTAAGGATTTTTAGCCCTGAGATCATACTGTTGAAGACGTGATGGTGCTTTTCCTCCTC-3'
Protein context (NP_001243793.1, residues 171-191): KSYRTAKFHS[Arg181Gln]VSECSWPIRQ

ClinVar aggregate classification (germline): Uncertain significance (1 of 4 stars; one submission).

Conditions:
Juvenile onset Parkinson disease 19A. Also called: PARK19; DNAJC6 Parkinson Disease. Identifiers: Orphanet 391411, MedGen C3809811, MONDO:0014231, OMIM 615528.

Allele frequency attached by ClinVar (database versions not stated): gnomAD 0.00001; gnomAD exomes 0.00001; ExAC 0.00002; TOPMed 0.00002; 1000 Genomes Project 30x 0.00016; 1000 Genomes Project 0.00020.
gnomAD v4.1: 26 of 1,613,224 alleles (0.0016%); highest among the groups gnomAD compares: South Asian, 0.0044%; no homozygotes.

Submission:

Labcorp Genetics (formerly Invitae), Labcorp
Classification: Uncertain significance for Juvenile onset Parkinson disease 19A. Last evaluated: 2023-05-08. Review status: criteria provided, single submitter. Criteria: Invitae Variant Classification Sherloc (09022015). Collection method: clinical testing. Allele origin: germline.
Comment: In summary, the available evidence is currently insufficient to determine the role of this variant in disease. Therefore, it has been classified as a Variant of Uncertain Significance. An algorithm developed to predict the effect of missense changes on protein structure and function (PolyPhen-2) suggests that this variant is likely to be disruptive. ClinVar contains an entry for this variant (Variation ID: 2048442). This variant has not been reported in the literature in individuals affected with DNAJC6-related conditions. This variant is present in population databases (rs539254238, gnomAD 0.003%). This sequence change replaces arginine, which is basic and polar, with glutamine, which is neutral and polar, at codon 181 of the DNAJC6 protein (p.Arg181Gln).